The following is an entry in ClinVar:

ClinVar aggregate classification (germline): Benign/Likely benign. Review status: criteria provided, multiple submitters, no conflicts (2 of 4 stars). 3 submissions from 3 submitters: Benign (1); Likely benign (2). Last evaluated 2025-10-14.

Allele frequency attached by ClinVar (database versions not stated): gnomAD exomes 0.00061; ExAC 0.00145; ESP Exome Variant Server 0.00275; gnomAD 0.00306 and 0.00331; TOPMed 0.00340; 1000 Genomes Project 0.00379; 1000 Genomes Project 30x 0.00390.
gnomAD v4.1: 910 of 1,553,950 alleles (0.059%); highest among the groups gnomAD compares: African/African-American, 1.1%; 5 homozygotes.

Submissions (3):

Labcorp Genetics (formerly Invitae), Labcorp
Classification: Benign. Last evaluated: 2025-10-14. Review status: criteria provided, single submitter. Criteria: Invitae Variant Classification Sherloc (09022015). Collection method: clinical testing. Allele origin: germline.

Ambry Genetics
Classification: Likely benign. Last evaluated: 2025-08-02. Review status: criteria provided, single submitter. Criteria: Ambry Variant Classification Scheme 2023. Collection method: clinical testing. Allele origin: germline.

CeGaT Center for Human Genetics Tuebingen
Classification: Likely benign. Last evaluated: 2024-03-01. Review status: criteria provided, single submitter. Criteria: CeGaT Center For Human Genetics Tuebingen Variant Classification Criteria Version 2. Collection method: clinical testing. Allele origin: germline. Affected: yes. Observed: 2 variant alleles.
Comment: ARHGEF10: BP4, BS1

NM_014629.4(ARHGEF10):c.973G>A (p.Val325Met)

Gene: ARHGEF10 (Rho guanine nucleotide exchange factor 10; plus strand). Cytogenetic location: 8p23.3.
Variant type: single nucleotide variant.
Coding change: c.973G>A on transcript NM_014629.4 (MANE Select); coding-DNA position 973, G replaced by A.
Protein change: p.Val325Met; replaces valine 325 with methionine.
Molecular consequence: missense variant.
Genome position (GRCh38, 1-based): chr8:1,882,647, G>A. VCF-style: chr8-1882647-G-A. GRCh37 (hg19) VCF-style: chr8-1830813-G-A.
Other names: c.859G>A, p.Val287Met (NM_001308152.2); c.976G>A, p.Val326Met (NM_001308153.3); short protein forms V350M, V287M, V325M, V326M.
Identifiers: ClinVar variation 716552 (VCV000716552.33), dbSNP rs139046783, ClinGen allele CA4600156.
Genomic context (GRCh38, chr8:1,882,647, plus strand): 5'-GGTGGGTTCTGCCGCCGTCCCGTTCTCACATCTCCCTCTCCGTCGCAGATGCAGAAGCTC[G>A]TGAAGGCCGCGAAGGACGGCACCAAGGACGGGCTGGAGAGGACCAGGGCAGCCGTGAAGA-3'
Protein context (NP_055444.2, residues 315-335): QKHELKMQKL[Val325Met]KAAKDGTKDG